The following is an entry in ClinVar:

NM_006231.4(POLE):c.4171T>C (p.Ser1391Pro)

Gene: POLE (DNA polymerase epsilon, catalytic subunit; minus strand). Cytogenetic location: 12q24.33.
Variant type: single nucleotide variant.
Coding change: c.4171T>C on transcript NM_006231.4 (MANE Select); coding-DNA position 4171, T replaced by C.
Protein change: p.Ser1391Pro; replaces serine 1391 with proline.
Molecular consequence: missense variant.
Genome position (GRCh38, 1-based): chr12:132,643,956, A>G on the plus strand (T>C on the coding strand, the complement: POLE is on the minus strand). VCF-style: chr12-132643956-A-G. GRCh37 (hg19) VCF-style: chr12-133220542-A-G.
Other names: c.4171T>C (NM_006231.2); short protein forms S1391P.
Identifiers: ClinVar variation 1406620 (VCV001406620.8), dbSNP rs2138561887, ClinGen allele CA387382462.

ClinVar aggregate classification (germline): Uncertain significance. Review status: criteria provided, multiple submitters, no conflicts (2 of 4 stars). 2 submissions from 2 submitters: Uncertain significance (2). Last evaluated 2025-09-19.

Conditions:
Hereditary cancer-predisposing syndrome. Also called: Hereditary neoplastic syndrome; Hereditary Cancer Syndrome; Neoplastic Syndromes, Hereditary; Tumor predisposition. Identifiers: Orphanet 140162, MedGen C0027672, MeSH D009386, MONDO:0015356.

Allele frequency attached by ClinVar (database versions not stated): gnomAD exomes below 0.00001.
gnomAD v4.1: 1 of 1,613,476 alleles (0.000062%); highest among the groups gnomAD compares: Admixed American, 0.0017%; no homozygotes.

Submissions (2):

Ambry Genetics
Classification: Uncertain significance for Hereditary cancer-predisposing syndrome. Last evaluated: 2025-09-19. Review status: criteria provided, single submitter. Criteria: Ambry Variant Classification Scheme 2023. Collection method: clinical testing. Allele origin: germline.
Comment: The p.S1391P variant (also known as c.4171T>C), located in coding exon 33 of the POLE gene, results from a T to C substitution at nucleotide position 4171. The serine at codon 1391 is replaced by proline, an amino acid with similar properties. This amino acid position is conserved. In addition, the in silico prediction for this alteration is inconclusive. Based on the available evidence, the clinical significance of this variant remains unclear.

Labcorp Genetics (formerly Invitae), Labcorp
Classification: Uncertain significance. Last evaluated: 2025-07-21. Review status: criteria provided, single submitter. Criteria: Invitae Variant Classification Sherloc (09022015). Collection method: clinical testing. Allele origin: germline.
Comment: This sequence change replaces serine, which is neutral and polar, with proline, which is neutral and non-polar, at codon 1391 of the POLE protein (p.Ser1391Pro). This variant is not present in population databases (gnomAD no frequency). This variant has not been reported in the literature in individuals affected with POLE-related conditions. ClinVar contains an entry for this variant (Variation ID: 1406620). Invitae Evidence Modeling of protein sequence and biophysical properties (such as structural, functional, and spatial information, amino acid conservation, physicochemical variation, residue mobility, and thermodynamic stability) indicates that this missense variant is expected to disrupt POLE protein function with a positive predictive value of 80%. In summary, the available evidence is currently insufficient to determine the role of this variant in disease. Therefore, it has been classified as a Variant of Uncertain Significance.